The following is an entry in ClinVar:

ClinVar aggregate classification (germline): Uncertain significance (1 of 4 stars; one submission).

Allele frequency attached by ClinVar (database versions not stated): gnomAD exomes 0.00001.

Submission:

Ambry Genetics
Classification: Uncertain significance. Last evaluated: 2023-08-26. Review status: criteria provided, single submitter. Criteria: Ambry Variant Classification Scheme 2023. Collection method: clinical testing. Allele origin: germline.
Comment: The p.A22V variant (also known as c.65C>T), located in coding exon 1 of the PRKDC gene, results from a C to T substitution at nucleotide position 65. The alanine at codon 22 is replaced by valine, an amino acid with similar properties. This amino acid position is conserved. In addition, this alteration is predicted to be tolerated by in silico analysis. Since supporting evidence is limited at this time, the clinical significance of this alteration remains unclear.

NM_006904.7(PRKDC):c.65C>T (p.Ala22Val)

Genes: PRKDC (protein kinase, DNA-activated, catalytic subunit; minus strand), LOC129929030 (ATAC-STARR-seq lymphoblastoid silent region 19177; plus strand). Cytogenetic location: 8q11.21.
Variant type: single nucleotide variant.
Coding change: c.65C>T on transcript NM_006904.7 (MANE Select); coding-DNA position 65, C replaced by T.
Protein change: p.Ala22Val; replaces alanine 22 with valine.
Molecular consequence: missense variant.
Genome position (GRCh38, 1-based): chr8:47,960,062, G>A on the plus strand (C>T on the coding strand, the complement: PRKDC is on the minus strand). VCF-style: chr8-47960062-G-A. GRCh37 (hg19) VCF-style: chr8-48872622-G-A.
Other names: c.65C>T, p.Ala22Val (NM_001081640.2); short protein forms A22V.
Identifiers: ClinVar variation 2586702 (VCV002586702.2), dbSNP rs2551882741, ClinGen allele CA371142932.